The following is an entry in ClinVar:

NM_004237.4(TRIP13):c.77A>G (p.His26Arg)

Gene: TRIP13 (thyroid hormone receptor interactor 13; plus strand). Cytogenetic location: 5p15.33.
Variant type: single nucleotide variant.
Coding change: c.77A>G on transcript NM_004237.4 (MANE Select); coding-DNA position 77, A replaced by G.
Protein change: p.His26Arg; replaces histidine 26 with arginine.
Molecular consequence: missense variant.
Genome position (GRCh38, 1-based): chr5:893,075, A>G. VCF-style: chr5-893075-A-G. GRCh37 (hg19) VCF-style: chr5-893190-A-G.
Other names: c.77A>G, p.His26Arg (NM_001166260.2); short protein forms H26R.
Identifiers: ClinVar variation 977641 (VCV000977641.8), dbSNP rs780778324, ClinGen allele CA3179726.

ClinVar aggregate classification (germline): Conflicting classifications of pathogenicity. Review status: criteria provided, conflicting classifications (1 of 4 stars). 4 submissions from 3 submitters: Likely pathogenic (2); Uncertain significance (1). 1 of the submissions does not count toward it. Last evaluated 2024-04-15.

Conditions:
Mosaic variegated aneuploidy syndrome 3 (MVA3). Identifiers: MedGen C4539839, MONDO:0054736, OMIM 617598.
Oocyte maturation defect 9. Also called: OOCYTE/ZYGOTE/EMBRYO MATURATION ARREST 9. Identifiers: MedGen C5436599, MONDO:0033565, OMIM 619011.

Submissions (4):

Labcorp Genetics (formerly Invitae), Labcorp
Classification: Uncertain significance. Last evaluated: 2024-04-15. Review status: criteria provided, single submitter. Criteria: Invitae Variant Classification Sherloc (09022015). Collection method: clinical testing. Allele origin: germline.
Comment: This sequence change replaces histidine, which is basic and polar, with arginine, which is basic and polar, at codon 26 of the TRIP13 protein (p.His26Arg). The frequency data for this variant in the population databases is considered unreliable, as metrics indicate poor data quality at this position in the gnomAD database. This missense change has been observed in individuals with female infertility (PMID: 32473092, 35812326, 37340965). ClinVar contains an entry for this variant (Variation ID: 977641). An algorithm developed to predict the effect of missense changes on protein structure and function (PolyPhen-2) suggests that this variant is likely to be tolerated. Experimental studies have shown that this missense change affects TRIP13 function (PMID: 35812326, 37340965). In summary, the available evidence is currently insufficient to determine the role of this variant in disease. Therefore, it has been classified as a Variant of Uncertain Significance.

Juno Genomics, Hangzhou Juno Genomics, Inc
Classification: Likely pathogenic for Oocyte maturation defect 9; Mosaic variegated aneuploidy syndrome 3. Review status: criteria provided, single submitter. Criteria: ACMG Guidelines, 2015. Collection method: clinical testing. Allele origin: germline. Affected: yes.
Comment: Absent from controls (or at extremely low frequency if recessive) in Genome Aggregation Database, Exome Sequencing Project, 1000 Genomes Project, or Exome Aggregation Consortium.;Multiple lines of computational evidence support a deleterious effect on the gene or gene product (conservation, evolutionary, splicing impact, etc).;For recessive disorders, detected in trans with a pathogenic variant.;Co-segregation with disease in multiple affected family members in a gene definitively known to cause the disease.;Patient's phenotype or family history is highly specific for a disease with a single genetic etiology.

Juno Genomics, Hangzhou Juno Genomics, Inc
Classification: Likely pathogenic for Oocyte maturation defect 9. Review status: criteria provided, single submitter. Criteria: ACMG Guidelines, 2015. Collection method: clinical testing. Allele origin: germline.
Comment: Absent from controls (or at extremely low frequency if recessive) in Genome Aggregation Database.;Well-established in vitro or in vivo functional studies supportive of a damaging effect on the gene or gene product.;For recessive disorders, detected in trans with a pathogenic variant.;Co-segregation with disease in multiple affected family members.;Patient's phenotype or family history is highly specific for a disease with a single genetic etiology.

OMIM
Classification: Pathogenic for OOCYTE/ZYGOTE/EMBRYO MATURATION ARREST 9. Last evaluated: 2023-04-10. Review status: no assertion criteria provided. Collection method: literature only. Allele origin: germline. Not counted in ClinVar's aggregate classification.

Literature cited by the submitters: PubMed 32473092 (cited by Labcorp Genetics (formerly Invitae), Labcorp and OMIM); PubMed 35812326 (cited by Labcorp Genetics (formerly Invitae), Labcorp); PubMed 37340965 (cited by Labcorp Genetics (formerly Invitae), Labcorp).